The following is an entry in ClinVar:

ClinVar aggregate classification (germline): Uncertain significance. Review status: criteria provided, multiple submitters, no conflicts (2 of 4 stars). 2 submissions from 2 submitters: Uncertain significance (2). Last evaluated 2025-06-22.

Conditions:
Familial adenomatous polyposis 1 (FAP1). Also called: FAMILIAL ADENOMATOUS POLYPOSIS 1, ATTENUATED; POLYPOSIS, ADENOMATOUS INTESTINAL. Identifiers: MedGen C2713442, MONDO:0021056, OMIM 175100. Disease mechanism: loss of function.
Hereditary cancer-predisposing syndrome. Also called: Neoplastic Syndromes, Hereditary; Tumor predisposition; Hereditary Cancer Syndrome; Hereditary neoplastic syndrome. Identifiers: Orphanet 140162, MedGen C0027672, MeSH D009386, MONDO:0015356.

Allele frequency attached by ClinVar (database versions not stated): gnomAD exomes below 0.00001; ExAC 0.00001.
gnomAD v4.1: 1 of 1,614,010 alleles (0.000062%); highest among the groups gnomAD compares: African/African-American, 0.0013%; no homozygotes.

Submissions (2):

Ambry Genetics
Classification: Uncertain significance for Hereditary cancer-predisposing syndrome. Last evaluated: 2025-06-22. Review status: criteria provided, single submitter. Criteria: Ambry Variant Classification Scheme 2023. Collection method: clinical testing. Allele origin: germline.
Comment: The p.P2740S variant (also known as c.8218C>T), located in coding exon 15 of the APC gene, results from a C to T substitution at nucleotide position 8218. The proline at codon 2740 is replaced by serine, an amino acid with similar properties. This amino acid position is not well conserved in available vertebrate species. In addition, in silico predictors for this gene do not accurately predict pathogenicity. Since supporting evidence is limited at this time, the clinical significance of this alteration remains unclear.

Labcorp Genetics (formerly Invitae), Labcorp
Classification: Uncertain significance for Familial adenomatous polyposis 1. Last evaluated: 2023-02-14. Review status: criteria provided, single submitter. Criteria: Invitae Variant Classification Sherloc (09022015). Collection method: clinical testing. Allele origin: germline.
Comment: This sequence change replaces proline, which is neutral and non-polar, with serine, which is neutral and polar, at codon 2740 of the APC protein (p.Pro2740Ser). This variant is not present in population databases (gnomAD no frequency). This variant has not been reported in the literature in individuals affected with APC-related conditions. ClinVar contains an entry for this variant (Variation ID: 482515). Advanced modeling of protein sequence and biophysical properties (such as structural, functional, and spatial information, amino acid conservation, physicochemical variation, residue mobility, and thermodynamic stability) performed at Invitae indicates that this missense variant is not expected to disrupt APC protein function. In summary, the available evidence is currently insufficient to determine the role of this variant in disease. Therefore, it has been classified as a Variant of Uncertain Significance.

NM_000038.6(APC):c.8218C>T (p.Pro2740Ser)

Gene: APC (APC regulator of Wnt signaling pathway; plus strand). Cytogenetic location: 5q22.2.
Variant type: single nucleotide variant.
Coding change: c.8218C>T on transcript NM_000038.6 (MANE Select); coding-DNA position 8218, C replaced by T.
Protein change: p.Pro2740Ser; replaces proline 2740 with serine.
Molecular consequence: missense variant.
Genome position (GRCh38, 1-based): chr5:112,843,812, C>T. VCF-style: chr5-112843812-C-T. GRCh37 (hg19) VCF-style: chr5-112179509-C-T.
Other names: c.8218C>T, p.Pro2740Ser (NM_001127510.3, NM_001354895.2); c.8164C>T, p.Pro2722Ser (NM_001127511.3); c.8272C>T, p.Pro2758Ser (NM_001354896.2); c.8248C>T, p.Pro2750Ser (NM_001354897.2); c.8143C>T, p.Pro2715Ser (NM_001354898.2); c.8134C>T, p.Pro2712Ser (NM_001354899.2); c.8095C>T, p.Pro2699Ser (NM_001354900.2); c.8041C>T, p.Pro2681Ser (NM_001354901.2); and 5 more; short protein forms P2740S, P2722S, P2457S, P2750S, P2614S, P2715S, P2580S, P2712S.
Identifiers: ClinVar variation 482515 (VCV000482515.14), dbSNP rs771591963, ClinGen allele CA050195.